The following is an entry in ClinVar:

ClinVar aggregate classification (germline): Benign (1 of 4 stars; one submission).

Conditions:
Hereditary coproporphyria (HCP). Also called: Hereditary coproporphyria porphyria; Porphyria hepatica coproporphyria; Porphyria hepatica II; CPRO deficiency; COPROPORPHYRINOGEN OXIDASE DEFICIENCY; CPO DEFICIENCY. Identifiers: Orphanet 79273, MedGen C0162531, MONDO:0007369, OMIM 121300.

Allele frequency attached by ClinVar (database versions not stated): TOPMed below 0.00001; gnomAD 0.00001 and 0.00003; gnomAD exomes 0.00001 and 0.00005; ExAC 0.00002; 1000 Genomes Project 30x 0.00047; 1000 Genomes Project 0.00060.
gnomAD v4.1: 70 of 1,614,072 alleles (0.0043%); highest among the groups gnomAD compares: East Asian, 0.16%; no homozygotes.

Submission:

Illumina Laboratory Services, Illumina
Classification: Benign for Hereditary coproporphyria. Last evaluated: 2018-01-13. Review status: criteria provided, single submitter. Criteria: ICSL Variant Classification Criteria 13 December 2019. Collection method: clinical testing. Allele origin: germline.
Comment: This variant was observed in the ICSL laboratory as part of a predisposition screen in an ostensibly healthy population. It had not been previously curated by ICSL or reported in the Human Gene Mutation Database (HGMD: prior to June 1st, 2018), and was therefore a candidate for classification through an automated scoring system. Utilizing variant allele frequency, disease prevalence and penetrance estimates, and inheritance mode, an automated score was calculated to assess if this variant is too frequent to cause the disease. Based on the score and internal cut-off values, a variant classified as benign is not then subjected to further curation. The score for this variant resulted in a classification of benign for this disease.

NM_000097.7(CPOX):c.766A>G (p.Thr256Ala)

Gene: CPOX (coproporphyrinogen oxidase; minus strand). Cytogenetic location: 3q11.2.
Variant type: single nucleotide variant.
Coding change: c.766A>G on transcript NM_000097.7 (MANE Select); coding-DNA position 766, A replaced by G.
Protein change: p.Thr256Ala; replaces threonine 256 with alanine.
Molecular consequence: missense variant.
Genome position (GRCh38, 1-based): chr3:98,590,677, T>C on the plus strand (A>G on the coding strand, the complement: CPOX is on the minus strand). VCF-style: chr3-98590677-T-C. GRCh37 (hg19) VCF-style: chr3-98309521-T-C.
Other names: short protein forms T256A.
Identifiers: ClinVar variation 903512 (VCV000903512.4), dbSNP rs77432735, ClinGen allele CA2511617.
Genomic context (GRCh38, chr3:98,590,677, plus strand): 5'-TCCTGAGACCCTTACCATCAGCTTCTTCTACTTCAAAGTATCTGTAGTTGAAATGGATAG[T>C]AGGAGCATGAGGATTCTTGGGGTGGATAACAGAGCTCACGCCCATAGCACAAAATGGCAA-3'
Protein context (NP_000088.3, residues 246-266): VIHPKNPHAP[Thr256Ala]IHFNYRYFEV